The following is an entry in ClinVar:

ClinVar aggregate classification (germline): Uncertain significance (1 of 4 stars; one submission).

Submission:

Labcorp Genetics (formerly Invitae), Labcorp
Classification: Uncertain significance. Last evaluated: 2024-04-26. Review status: criteria provided, single submitter. Criteria: Invitae Variant Classification Sherloc (09022015). Collection method: clinical testing. Allele origin: germline.
Comment: This sequence change replaces glutamic acid, which is acidic and polar, with aspartic acid, which is acidic and polar, at codon 123 of the MAP1B protein (p.Glu123Asp). This variant also falls at the last nucleotide of exon 3, which is part of the consensus splice site for this exon. This variant is not present in population databases (gnomAD no frequency). This variant has not been reported in the literature in individuals affected with MAP1B-related conditions. Experimental studies and prediction algorithms are not available or were not evaluated, and the functional significance of this variant is currently unknown. Variants that disrupt the consensus splice site are a relatively common cause of aberrant splicing (PMID: 17576681, 9536098). In summary, the available evidence is currently insufficient to determine the role of this variant in disease. Therefore, it has been classified as a Variant of Uncertain Significance.

Literature cited by the submitters: PubMed 17576681; PubMed 9536098.

NM_005909.5(MAP1B):c.369G>T (p.Glu123Asp)

Gene: MAP1B (microtubule associated protein 1B; plus strand). Cytogenetic location: 5q13.2.
Variant type: single nucleotide variant.
Coding change: c.369G>T on transcript NM_005909.5 (MANE Select); coding-DNA position 369, G replaced by T.
Protein change: p.Glu123Asp; replaces glutamic acid 123 with aspartic acid.
Molecular consequence: missense variant. On other transcripts: 5 prime UTR variant (1).
Genome position (GRCh38, 1-based): chr5:72,183,825, G>T. VCF-style: chr5-72183825-G-T. GRCh37 (hg19) VCF-style: chr5-71479652-G-T.
Other names: c.-10G>T (NM_001324255.2); short protein forms E123D.
Identifiers: ClinVar variation 3697910 (VCV003697910.2).